The following is an entry in ClinVar:

NM_001127178.3(PIGG):c.1628C>G (p.Pro543Arg)

Gene: PIGG (phosphatidylinositol glycan anchor biosynthesis class G (EMM blood group); plus strand). Cytogenetic location: 4p16.3.
Variant type: single nucleotide variant.
Coding change: c.1628C>G on transcript NM_001127178.3 (MANE Select); coding-DNA position 1628, C replaced by G.
Protein change: p.Pro543Arg; replaces proline 543 with arginine.
Molecular consequence: missense variant. On other transcripts: non-coding transcript variant (7).
Genome position (GRCh38, 1-based): chr4:523,472, C>G. VCF-style: chr4-523472-C-G. GRCh37 (hg19) VCF-style: chr4-517261-C-G.
Other names: c.1361C>G, p.Pro454Arg (NM_001289051.2, NM_001345986.2); c.1229C>G, p.Pro410Arg (NM_001289052.2); c.1337C>G, p.Pro446Arg (NM_001345987.2); c.599C>G, p.Pro200Arg (NM_001345988.2); c.95C>G, p.Pro32Arg (NM_001345990.2, NM_001345991.2); c.530C>G, p.Pro177Arg (NM_001345994.2); c.1604C>G, p.Pro535Arg (NM_017733.5); short protein forms P543R, P446R, P200R, P32R, P454R, P177R, P410R, P535R.
Identifiers: ClinVar variation 476324 (VCV000476324.39), dbSNP rs112764712, ClinGen allele CA2793419.

ClinVar aggregate classification (germline): Likely benign. Review status: criteria provided, multiple submitters, no conflicts (2 of 4 stars). 6 submissions from 6 submitters: Likely benign (5). 1 of the submissions does not count toward it. Last evaluated 2026-01-28.

Conditions:
PIGG-related disorder. Also called: PIGG-related condition.
Intellectual disability, autosomal recessive 53 (NEDHSCA). Also called: GLYCOSYLPHOSPHATIDYLINOSITOL BIOSYNTHESIS DEFECT 13; Mental retardation, autosomal recessive 53; NEURODEVELOPMENTAL DISORDER WITH OR WITHOUT HYPOTONIA, SEIZURES, AND CEREBELLAR ATROPHY. Identifiers: Orphanet 488635, MedGen C4310794, MONDO:0014832, OMIM 616917.

Allele frequency attached by ClinVar (database versions not stated): ExAC 0.00098; ESP Exome Variant Server 0.00185; TOPMed 0.00229; gnomAD 0.00243 and 0.00245; 1000 Genomes Project 0.00300; 1000 Genomes Project 30x 0.00359.
gnomAD v4.1: 854 of 1,606,150 alleles (0.053%); highest among the groups gnomAD compares: African/African-American, 0.77%; 6 homozygotes.

Submissions (6):

Labcorp Genetics (formerly Invitae), Labcorp
Classification: Likely benign for Intellectual disability, autosomal recessive 53. Last evaluated: 2026-01-28. Review status: criteria provided, single submitter. Criteria: Invitae Variant Classification Sherloc (09022015). Collection method: clinical testing. Allele origin: germline.

Blueprint Genetics
Classification: Likely benign. Last evaluated: 2024-11-26. Review status: criteria provided, single submitter. Criteria: ACMG Guidelines, 2015. Collection method: clinical testing. Allele origin: germline.

CeGaT Center for Human Genetics Tuebingen
Classification: Likely benign. Last evaluated: 2023-08-01. Review status: criteria provided, single submitter. Criteria: CeGaT Center For Human Genetics Tuebingen Variant Classification Criteria Version 2. Collection method: clinical testing. Allele origin: germline. Affected: yes. Observed: 1 variant allele.
Comment: PIGG: BP4, BS2

GeneDx
Classification: Likely benign. Last evaluated: 2021-04-20. Review status: criteria provided, single submitter. Criteria: GeneDx Variant Classification Process June 2021. Collection method: clinical testing. Allele origin: germline. Affected: yes.

Breakthrough Genomics
Classification: Likely benign. Review status: criteria provided, single submitter. Criteria: ACMG Guidelines, 2015. Collection method: not provided. Allele origin: germline. Inheritance: Autosomal recessive inheritance. Affected: yes.

PreventionGenetics, part of Exact Sciences
Classification: Benign for PIGG-related condition. Last evaluated: 2024-04-25. Review status: no assertion criteria provided. Collection method: clinical testing. Allele origin: germline. Not counted in ClinVar's aggregate classification.
Comment: This variant is classified as benign based on ACMG/AMP sequence variant interpretation guidelines (Richards et al. 2015 PMID: 25741868, with internal and published modifications).